The following is an entry in ClinVar:

ClinVar aggregate classification (germline): Conflicting classifications of pathogenicity. Review status: criteria provided, conflicting classifications (1 of 4 stars). 3 submissions from 3 submitters: Uncertain significance (2); Likely benign (1). Last evaluated 2025-10-27.

Conditions:
DNAH9-related disorder. Also called: DNAH9-related condition.

Allele frequency attached by ClinVar (database versions not stated): gnomAD 0.00001; gnomAD exomes 0.00001; ExAC 0.00002; TOPMed 0.00002; ESP Exome Variant Server 0.00008.
gnomAD v4.1: 16 of 1,614,022 alleles (0.00099%); highest among the groups gnomAD compares: Admixed American, 0.0017%; no homozygotes.

Submissions (3):

PreventionGenetics, part of Exact Sciences
Classification: Uncertain significance for DNAH9-related condition. Last evaluated: 2025-10-27. Review status: criteria provided, single submitter. Criteria: ACMG Guidelines, 2015. Collection method: clinical testing. Allele origin: germline.
Comment: The DNAH9 c.13088C>T variant is predicted to result in the amino acid substitution p.Thr4363Met. To our knowledge, this variant has not been reported in the literature. This variant is reported in 0.0046% of alleles in individuals of European (Finnish) descent in gnomAD. At this time, the clinical significance of this variant is uncertain due to the absence of conclusive functional and genetic evidence.

Labcorp Genetics (formerly Invitae), Labcorp
Classification: Uncertain significance. Last evaluated: 2024-01-18. Review status: criteria provided, single submitter. Criteria: Invitae Variant Classification Sherloc (09022015). Collection method: clinical testing. Allele origin: germline.
Comment: This sequence change replaces threonine, which is neutral and polar, with methionine, which is neutral and non-polar, at codon 4363 of the DNAH9 protein (p.Thr4363Met). This variant is present in population databases (rs374943314, gnomAD 0.004%). This variant has not been reported in the literature in individuals affected with DNAH9-related conditions. Advanced modeling of protein sequence and biophysical properties (such as structural, functional, and spatial information, amino acid conservation, physicochemical variation, residue mobility, and thermodynamic stability) performed at Invitae indicates that this missense variant is not expected to disrupt DNAH9 protein function with a negative predictive value of 80%. In summary, the available evidence is currently insufficient to determine the role of this variant in disease. Therefore, it has been classified as a Variant of Uncertain Significance.

Blueprint Genetics
Classification: Likely benign. Last evaluated: 2023-06-05. Review status: criteria provided, single submitter. Criteria: ACMG Guidelines, 2015. Collection method: clinical testing. Allele origin: germline.

NM_001372.4(DNAH9):c.13088C>T (p.Thr4363Met)

Gene: DNAH9 (dynein axonemal heavy chain 9; plus strand). Cytogenetic location: 17p12.
Variant type: single nucleotide variant.
Coding change: c.13088C>T on transcript NM_001372.4 (MANE Select); coding-DNA position 13088, C replaced by T.
Protein change: p.Thr4363Met; replaces threonine 4363 with methionine.
Molecular consequence: missense variant.
Genome position (GRCh38, 1-based): chr17:11,962,111, C>T. VCF-style: chr17-11962111-C-T. GRCh37 (hg19) VCF-style: chr17-11865428-C-T.
Other names: c.13088C>T (NM_001372.3); c.2024C>T, p.Thr675Met (NM_004662.2); short protein forms T4363M, T675M.
Identifiers: ClinVar variation 2692665 (VCV002692665.5), dbSNP rs374943314, ClinGen allele CA8398337.